The following is an entry in ClinVar:

ClinVar aggregate classification (germline): Uncertain significance. Review status: criteria provided, multiple submitters, no conflicts (2 of 4 stars). 2 submissions from 2 submitters: Uncertain significance (2). Last evaluated 2023-06-05.

Allele frequency attached by ClinVar (database versions not stated): ExAC 0.00005; gnomAD 0.00005; TOPMed 0.00006; gnomAD exomes 0.00007; ESP Exome Variant Server 0.00023.

Submissions (2):

Ambry Genetics
Classification: Uncertain significance. Last evaluated: 2023-06-05. Review status: criteria provided, single submitter. Criteria: Ambry Variant Classification Scheme 2023. Collection method: clinical testing. Allele origin: germline.

GeneDx
Classification: Uncertain significance. Last evaluated: 2023-02-02. Review status: criteria provided, single submitter. Criteria: GeneDx Variant Classification Process June 2021. Collection method: clinical testing. Allele origin: germline. Affected: yes.
Comment: Functional studies suggest a damaging effect through protein destabilization (Iwata-Otsubo et al., 2023); In silico analysis supports that this missense variant has a deleterious effect on protein structure/function

NM_012087.4(GTF3C5):c.781C>T (p.Arg261Cys)

Gene: GTF3C5 (general transcription factor IIIC subunit 5; plus strand). Cytogenetic location: 9q34.13.
Variant type: single nucleotide variant.
Coding change: c.781C>T on transcript NM_012087.4 (MANE Select); coding-DNA position 781, C replaced by T.
Protein change: p.Arg261Cys; replaces arginine 261 with cysteine.
Molecular consequence: missense variant.
Genome position (GRCh38, 1-based): chr9:133,052,072, C>T. VCF-style: chr9-133052072-C-T. GRCh37 (hg19) VCF-style: chr9-135927459-C-T.
Other names: c.781C>T, p.Arg261Cys (NM_001122823.2); c.259C>T, p.Arg87Cys (NM_001286709.2); short protein forms R261C, R87C.
Identifiers: ClinVar variation 2428496 (VCV002428496.9), dbSNP rs371028258, ClinGen allele CA5302460.
Genomic context (GRCh38, chr9:133,052,072, plus strand): 5'-GTGGAAGCTGCTGGTGCTCATCTCAGCCTCTGCCCTTGGCCTCCCCAGCTGTTTGACATC[C>T]GTCCCATCTGGTCCCGAAATGCTGTCAAGGCCAACATCAGCGTCCACCCAGACAAGCTCA-3'
Protein context (NP_036219.2, residues 251-271): EEELRKLFDI[Arg261Cys]PIWSRNAVKA